The following is an entry in ClinVar:

NM_207352.4(CYP4V2):c.46del (p.Trp16fs)

Genes: CYP4V2 (cytochrome P450 family 4 subfamily V member 2; plus strand), LOC129993526 (ATAC-STARR-seq lymphoblastoid silent region 15858; plus strand). Cytogenetic location: 4q35.1.
Variant type: Deletion.
Coding change: c.46del on transcript NM_207352.4 (MANE Select); coding-DNA position 46, one base deleted (T; older notation c.46delT).
Protein change: p.Trp16fs; shifts the reading frame from tryptophan 16.
Molecular consequence: frameshift variant.
Genome position (GRCh38, 1-based): chr4:186,191,869, T deleted. VCF-style (leftmost placement, unchanged base first): chr4-186191868-GT-G. GRCh37 (hg19) VCF-style: chr4-187113022-GT-G.
Other names: short protein forms W16fs.
Identifiers: ClinVar variation 2753312 (VCV002753312.3), dbSNP rs2478888752, ClinGen allele CA2697546998.

ClinVar aggregate classification (germline): Pathogenic (1 of 4 stars; one submission).

Submission:

Labcorp Genetics (formerly Invitae), Labcorp
Classification: Pathogenic. Last evaluated: 2023-08-23. Review status: criteria provided, single submitter. Criteria: Invitae Variant Classification Sherloc (09022015). Collection method: clinical testing. Allele origin: germline.
Comment: This sequence change creates a premature translational stop signal (p.Trp16Glyfs*16) in the CYP4V2 gene. It is expected to result in an absent or disrupted protein product. Loss-of-function variants in CYP4V2 are known to be pathogenic (PMID: 15042513, 25118264). This variant is not present in population databases (gnomAD no frequency). This variant has not been reported in the literature in individuals affected with CYP4V2-related conditions. For these reasons, this variant has been classified as Pathogenic.

Literature cited by the submitters: PubMed 15042513; PubMed 25118264.